The following is an entry in ClinVar:

ClinVar aggregate classification (germline): Pathogenic (1 of 4 stars; one submission).

Conditions:
Early-infantile DEE. Also called: Ohtahara syndrome; Early infantile epileptic encephalopathy with suppression bursts; Early infantile epileptic encephalopathy. Identifiers: Orphanet 1934, MedGen C0393706, MONDO:0800491.

Submission:

Labcorp Genetics (formerly Invitae), Labcorp
Classification: Pathogenic for Early-infantile DEE. Last evaluated: 2023-12-18. Review status: criteria provided, single submitter. Criteria: Invitae Variant Classification Sherloc (09022015). Collection method: clinical testing. Allele origin: germline.
Comment: This sequence change creates a premature translational stop signal (p.Trp718*) in the KCNQ2 gene. While this is not anticipated to result in nonsense mediated decay, it is expected to disrupt the last 155 amino acid(s) of the KCNQ2 protein. This variant is not present in population databases (gnomAD no frequency). This variant has not been reported in the literature in individuals affected with KCNQ2-related conditions. This variant disrupts a region of the KCNQ2 protein in which other variant(s) (p.Lys829Serfs*35) have been determined to be pathogenic (Invitae). This suggests that this is a clinically significant region of the protein, and that variants that disrupt it are likely to be disease-causing. For these reasons, this variant has been classified as Pathogenic.

NM_172107.4(KCNQ2):c.2154G>A (p.Trp718Ter)

Gene: KCNQ2 (potassium voltage-gated channel subfamily Q member 2; minus strand). Cytogenetic location: 20q13.33.
Variant type: single nucleotide variant.
Coding change: c.2154G>A on transcript NM_172107.4 (MANE Select); coding-DNA position 2154, G replaced by A.
Protein change: p.Trp718Ter; replaces tryptophan 718 with a stop codon.
Molecular consequence: nonsense.
Genome position (GRCh38, 1-based): chr20:63,407,109, C>T on the plus strand (G>A on the coding strand, the complement: KCNQ2 is on the minus strand). VCF-style: chr20-63407109-C-T. GRCh37 (hg19) VCF-style: chr20-62038462-C-T.
Other names: c.2208G>A, p.Trp736Ter (NM_001382235.1); c.2070G>A, p.Trp690Ter (NM_004518.6); c.2100G>A, p.Trp700Ter (NM_172106.3); c.2061G>A, p.Trp687Ter (NM_172108.5); short protein forms W687*, W718*, W736*, W690*, W700*.
Identifiers: ClinVar variation 2703769 (VCV002703769.3), dbSNP rs2516100536, ClinGen allele CA409638814.